The following is an entry in ClinVar:

NM_178012.5(TUBB2B):c.1034T>A (p.Ile345Asn)

Gene: TUBB2B (tubulin beta 2B class IIb; minus strand). Cytogenetic location: 6p25.2.
Variant type: single nucleotide variant.
Coding change: c.1034T>A on transcript NM_178012.5 (MANE Select); coding-DNA position 1034, T replaced by A.
Protein change: p.Ile345Asn; replaces isoleucine 345 with asparagine.
Molecular consequence: missense variant.
Genome position (GRCh38, 1-based): chr6:3,225,055, A>T on the plus strand (T>A on the coding strand, the complement: TUBB2B is on the minus strand). VCF-style: chr6-3225055-A-T. GRCh37 (hg19) VCF-style: chr6-3225289-A-T.
Other names: short protein forms I345N.
Identifiers: ClinVar variation 4279553 (VCV004279553.1).

ClinVar aggregate classification (germline): Likely pathogenic (1 of 4 stars; one submission).

Conditions:
Complex cortical dysplasia with other brain malformations 7. Identifiers: Orphanet 300573, MedGen C3552236, MONDO:0012399, OMIM 610031.

Submission:

Department of Paediatrics at Addenbrookes, Cambridge University Hospitals NHS Foundation Trust (UK)
Classification: Likely pathogenic for Complex cortical dysplasia with other brain malformations 7. Last evaluated: 2025-05-27. Review status: criteria provided, single submitter. Criteria: Durkie Uk Practice Guidelines For Variant Classification V12 2024 (1). Collection method: clinical testing. Allele origin: unknown.
Comment: PM2_Moderate; PP2_Supporting; PP3_Supporting; PP4_Moderate